The following is an entry in ClinVar:

ClinVar aggregate classification (germline): Uncertain significance. Review status: criteria provided, multiple submitters, no conflicts (2 of 4 stars). 2 submissions from 2 submitters: Uncertain significance (2). Last evaluated 2023-06-29.

Conditions:
Inborn genetic diseases. Identifiers: MedGen C0950123, MeSH D030342.

Allele frequency attached by ClinVar (database versions not stated): gnomAD exomes 0.00001 and 0.00003; ExAC 0.00002; gnomAD 0.00002; TOPMed 0.00003.
gnomAD v4.1: 19 of 1,613,970 alleles (0.0012%); highest among the groups gnomAD compares: African/African-American, 0.004%; no homozygotes.

Submissions (2):

Ambry Genetics
Classification: Uncertain significance for Inborn genetic diseases. Last evaluated: 2023-06-29. Review status: criteria provided, single submitter. Criteria: Ambry Variant Classification Scheme 2023. Collection method: clinical testing. Allele origin: germline.

Labcorp Genetics (formerly Invitae), Labcorp
Classification: Uncertain significance. Last evaluated: 2021-11-24. Review status: criteria provided, single submitter. Criteria: Invitae Variant Classification Sherloc (09022015). Collection method: clinical testing. Allele origin: germline.
Comment: In summary, the available evidence is currently insufficient to determine the role of this variant in disease. Therefore, it has been classified as a Variant of Uncertain Significance. Algorithms developed to predict the effect of missense changes on protein structure and function are either unavailable or do not agree on the potential impact of this missense change (SIFT: "Deleterious"; PolyPhen-2: "Not Available"; Align-GVGD: "Class C15"). This variant has not been reported in the literature in individuals affected with PTPN23-related conditions. This variant is present in population databases (rs780048193, gnomAD 0.02%). This sequence change replaces asparagine, which is neutral and polar, with aspartic acid, which is acidic and polar, at codon 316 of the PTPN23 protein (p.Asn316Asp).

NM_015466.4(PTPN23):c.946A>G (p.Asn316Asp)

Gene: PTPN23 (protein tyrosine phosphatase non-receptor type 23; plus strand). Cytogenetic location: 3p21.31.
Variant type: single nucleotide variant.
Coding change: c.946A>G on transcript NM_015466.4 (MANE Select); coding-DNA position 946, A replaced by G.
Protein change: p.Asn316Asp; replaces asparagine 316 with aspartic acid.
Molecular consequence: missense variant.
Genome position (GRCh38, 1-based): chr3:47,407,527, A>G. VCF-style: chr3-47407527-A-G. GRCh37 (hg19) VCF-style: chr3-47449017-A-G.
Other names: c.568A>G, p.Asn190Asp (NM_001304482.2); c.946A>G (NM_015466.2); short protein forms N316D, N190D.
Identifiers: ClinVar variation 1511206 (VCV001511206.5), dbSNP rs780048193, ClinGen allele CA2365578.